The following is an entry in ClinVar:

ClinVar aggregate classification (germline): Likely benign. Review status: criteria provided, multiple submitters, no conflicts (2 of 4 stars). 4 submissions from 4 submitters: Likely benign (3). 1 of the submissions does not count toward it. Last evaluated 2026-01-26.

Conditions:
NBAS-related disorder. Also called: NBAS-related condition.

Allele frequency attached by ClinVar (database versions not stated): 1000 Genomes Project 30x 0.00016; 1000 Genomes Project 0.00020; TOPMed 0.00076; gnomAD 0.00081 and 0.00085; ESP Exome Variant Server 0.00100; gnomAD exomes 0.00120 and 0.00137; ExAC 0.00157.
gnomAD v4.1: 2,173 of 1,613,194 alleles (0.13%); highest among the groups gnomAD compares: Non-Finnish European, 0.16%; 3 homozygotes.

Submissions (4):

Labcorp Genetics (formerly Invitae), Labcorp
Classification: Likely benign. Last evaluated: 2026-01-26. Review status: criteria provided, single submitter. Criteria: Invitae Variant Classification Sherloc (09022015). Collection method: clinical testing. Allele origin: germline.

Blueprint Genetics
Classification: Likely benign. Last evaluated: 2024-11-11. Review status: criteria provided, single submitter. Criteria: ACMG Guidelines, 2015. Collection method: clinical testing. Allele origin: germline.

CeGaT Center for Human Genetics Tuebingen
Classification: Likely benign. Last evaluated: 2023-06-01. Review status: criteria provided, single submitter. Criteria: CeGaT Center For Human Genetics Tuebingen Variant Classification Criteria Version 2. Collection method: clinical testing. Allele origin: germline. Affected: yes. Observed: 1 variant allele.
Comment: NBAS: BP4

PreventionGenetics, part of Exact Sciences
Classification: Likely benign for NBAS-related condition. Last evaluated: 2022-11-09. Review status: no assertion criteria provided. Collection method: clinical testing. Allele origin: germline. Not counted in ClinVar's aggregate classification.
Comment: This variant is classified as likely benign based on ACMG/AMP sequence variant interpretation guidelines (Richards et al. 2015 PMID: 25741868, with internal and published modifications).

NM_015909.4(NBAS):c.6838A>G (p.Thr2280Ala)

Gene: NBAS (NBAS subunit of NRZ tethering complex; minus strand). Cytogenetic location: 2p24.3.
Variant type: single nucleotide variant.
Coding change: c.6838A>G on transcript NM_015909.4 (MANE Select); coding-DNA position 6838, A replaced by G.
Protein change: p.Thr2280Ala; replaces threonine 2280 with alanine.
Molecular consequence: missense variant. On other transcripts: non-coding transcript variant (1).
Genome position (GRCh38, 1-based): chr2:15,178,990, T>C on the plus strand (A>G on the coding strand, the complement: NBAS is on the minus strand). VCF-style: chr2-15178990-T-C. GRCh37 (hg19) VCF-style: chr2-15319114-T-C.
Other names: short protein forms T2280A.
Identifiers: ClinVar variation 729737 (VCV000729737.36), dbSNP rs140346039, ClinGen allele CA1534871.